The following is an entry in ClinVar:

ClinVar aggregate classification (germline): Benign/Likely benign. Review status: criteria provided, multiple submitters, no conflicts (2 of 4 stars). 2 submissions from 2 submitters: Benign (1); Likely benign (1). Last evaluated 2025-10-01.

Allele frequency attached by ClinVar (database versions not stated): gnomAD below 0.00001 and 0.00013; TOPMed 0.00002; gnomAD exomes 0.00022 and 0.00053; ExAC 0.00058; 1000 Genomes Project 30x 0.00062; 1000 Genomes Project 0.00080.
gnomAD v4.1: 341 of 1,613,196 alleles (0.021%); highest among the groups gnomAD compares: South Asian, 0.31%; 3 homozygotes.

Submissions (2):

Labcorp Genetics (formerly Invitae), Labcorp
Classification: Benign. Last evaluated: 2025-10-01. Review status: criteria provided, single submitter. Criteria: Invitae Variant Classification Sherloc (09022015). Collection method: clinical testing. Allele origin: germline.

GeneDx
Classification: Likely benign. Last evaluated: 2016-10-19. Review status: criteria provided, single submitter. Criteria: GeneDx Variant Classification (06012015). Collection method: clinical testing. Allele origin: germline. Affected: yes.
Comment: This variant is considered likely benign or benign based on one or more of the following criteria: it is a conservative change, it occurs at a poorly conserved position in the protein, it is predicted to be benign by multiple in silico algorithms, and/or has population frequency not consistent with disease.

NM_144736.5(NDUFAF7):c.324A>G (p.Glu108=)

Gene: NDUFAF7 (NADH:ubiquinone oxidoreductase complex assembly factor 7; plus strand). Cytogenetic location: 2p22.2.
Variant type: single nucleotide variant.
Coding change: c.324A>G on transcript NM_144736.5 (MANE Select); coding-DNA position 324, A replaced by G.
Protein change: p.Glu108=; no amino-acid change (glutamic acid 108 retained).
Molecular consequence: synonymous variant. On other transcripts: non-coding transcript variant (10).
Genome position (GRCh38, 1-based): chr2:37,237,783, A>G. VCF-style: chr2-37237783-A-G. GRCh37 (hg19) VCF-style: chr2-37464926-A-G.
Other names: c.243A>G, p.Glu81= (NM_001083946.2, NM_001350025.2); c.324A>G, p.Glu108= (NM_001350024.2, NM_001350027.2).
Identifiers: ClinVar variation 389732 (VCV000389732.6), dbSNP rs570665983, ClinGen allele CA1617122.